The following is an entry in ClinVar:

NM_000460.4(THPO):c.-64_-63dup

Gene: THPO (thrombopoietin; minus strand). Cytogenetic location: 3q27.1.
Variant type: Duplication.
Coding change: c.-64_-63dup on transcript NM_000460.4 (MANE Select); 64 bases upstream of the start codon through 63 bases upstream of the start codon, 2 bases duplicated (CC; older notation c.-64_-63dupCC).
Molecular consequence: 5 prime UTR variant. On other transcripts: frameshift variant (1).
Genome position (GRCh38, 1-based): chr3:184,376,322-184,376,323, GG duplicated on the plus strand (CC on the coding strand, the reverse complement: THPO is on the minus strand); duplicating any 2 consecutive bases within chr3:184,376,322-184,376,325 gives the same sequence; the c. name uses the placement nearest the transcript's 3' end. VCF-style (leftmost placement, unchanged base first): chr3-184376321-T-TGG. GRCh37 (hg19) VCF-style: chr3-184094109-T-TGG.
Other names: c.-64_-63dup (NM_001177597.2, NM_001177598.2, NM_001289997.1 and 5 more transcripts); c.357_358dup, p.Gln120fs (NM_001290003.1); short protein forms Q120fs.
Identifiers: ClinVar variation 3256569 (VCV003256569.1).
Genomic context (GRCh38, chr3:184,376,321, plus strand): 5'-CTGGCCGGGGTGTCTGGCTGGCGTGGCTCCCTGTTTGGGGCCTCTCCCCTGAATCCTTCC[T>TGG]GGGGCCATGGAGGCGGCTTAGGCTCTTGCACTTCTGGGCAGAGTAGGGTGGGGCAAAGGC-3'

ClinVar aggregate classification (germline): Likely pathogenic (1 of 4 stars; one submission).

Conditions:
Thrombocytopenia 9 (THC9). Also called: THROMBOCYTOPENIA, AUTOSOMAL DOMINANT, 9. Identifiers: MedGen C5882678, MONDO:0957572, OMIM 620478.

Submission:

Laboratory of Medical Genetics, National & Kapodistrian University of Athens
Classification: Likely pathogenic for Thrombocytopenia 9. Last evaluated: 2024-01-30. Review status: criteria provided, single submitter. Criteria: ACMG Guidelines, 2015. Collection method: clinical testing. Allele origin: de novo. Affected: yes.
Comment: PS2, PM2 - The variant is expected to result in an absent or disrupted protein product. Low frequency in gnomAD population databases.